The following is an entry in ClinVar:

ClinVar aggregate classification (germline): Uncertain significance (1 of 4 stars; one submission).

Conditions:
Fanconi anemia (FA). Also called: Fanconi's anemia. Identifiers: Orphanet 84, MedGen C0015625, MeSH D005199, MONDO:0019391.

Allele frequency attached by ClinVar (database versions not stated): gnomAD exomes below 0.00001; ExAC 0.00001.
gnomAD v4.1: 3 of 1,614,144 alleles (0.00019%); highest among the groups gnomAD compares: East Asian, 0.0022%; no homozygotes.

Submission:

Labcorp Genetics (formerly Invitae), Labcorp
Classification: Uncertain significance for Fanconi anemia. Last evaluated: 2023-03-20. Review status: criteria provided, single submitter. Criteria: Invitae Variant Classification Sherloc (09022015). Collection method: clinical testing. Allele origin: germline.
Comment: This sequence change replaces glycine, which is neutral and non-polar, with arginine, which is basic and polar, at codon 292 of the SLX4 protein (p.Gly292Arg). In summary, the available evidence is currently insufficient to determine the role of this variant in disease. Therefore, it has been classified as a Variant of Uncertain Significance. Algorithms developed to predict the effect of sequence changes on RNA splicing suggest that this variant may create or strengthen a splice site. An algorithm developed to predict the effect of missense changes on protein structure and function (PolyPhen-2) suggests that this variant is likely to be disruptive. ClinVar contains an entry for this variant (Variation ID: 1472714). This variant has not been reported in the literature in individuals affected with SLX4-related conditions. This variant is present in population databases (rs780402573, gnomAD 0.006%).

NM_032444.4(SLX4):c.874G>C (p.Gly292Arg)

Gene: SLX4 (SLX4 structure-specific endonuclease subunit; minus strand). Cytogenetic location: 16p13.3.
Variant type: single nucleotide variant.
Coding change: c.874G>C on transcript NM_032444.4 (MANE Select); coding-DNA position 874, G replaced by C.
Protein change: p.Gly292Arg; replaces glycine 292 with arginine.
Molecular consequence: missense variant.
Genome position (GRCh38, 1-based): chr16:3,602,194, C>G on the plus strand (G>C on the coding strand, the complement: SLX4 is on the minus strand). VCF-style: chr16-3602194-C-G. GRCh37 (hg19) VCF-style: chr16-3652195-C-G.
Other names: short protein forms G292R.
Identifiers: ClinVar variation 1472714 (VCV001472714.8), dbSNP rs780402573, ClinGen allele CA7866717.